The following is an entry in ClinVar:

ClinVar aggregate classification (germline): Uncertain significance (1 of 4 stars; one submission).

Submission:

GeneDx
Classification: Uncertain significance. Last evaluated: 2022-04-04. Review status: criteria provided, single submitter. Criteria: GeneDx Variant Classification Process June 2021. Collection method: clinical testing. Allele origin: germline. Affected: yes.
Comment: Not observed at significant frequency in large population cohorts (gnomAD); In silico analysis supports that this missense variant has a deleterious effect on protein structure/function; Has not been previously published as pathogenic or benign to our knowledge

NM_002224.4(ITPR3):c.4193C>T (p.Ser1398Phe)

Gene: ITPR3 (inositol 1,4,5-trisphosphate receptor type 3; plus strand). Cytogenetic location: 6p21.31.
Variant type: single nucleotide variant.
Coding change: c.4193C>T on transcript NM_002224.4 (MANE Select); coding-DNA position 4193, C replaced by T.
Protein change: p.Ser1398Phe; replaces serine 1398 with phenylalanine.
Molecular consequence: missense variant.
Genome position (GRCh38, 1-based): chr6:33,680,102, C>T. VCF-style: chr6-33680102-C-T. GRCh37 (hg19) VCF-style: chr6-33647879-C-T.
Other names: short protein forms S1398F.
Identifiers: ClinVar variation 1708758 (VCV001708758.2), dbSNP rs2533111196, ClinGen allele CA363704165.